The following is an entry in ClinVar:

NM_001110556.2(FLNA):c.2585T>C (p.Ile862Thr)

Gene: FLNA (filamin A; minus strand). Cytogenetic location: Xq28.
Variant type: single nucleotide variant.
Coding change: c.2585T>C on transcript NM_001110556.2 (MANE Select); coding-DNA position 2585, T replaced by C.
Protein change: p.Ile862Thr; replaces isoleucine 862 with threonine.
Molecular consequence: missense variant.
Genome position (GRCh38, 1-based): chrX:154,362,313, A>G on the plus strand (T>C on the coding strand, the complement: FLNA is on the minus strand). VCF-style: chrX-154362313-A-G. GRCh37 (hg19) VCF-style: chrX-153590681-A-G.
Other names: c.2585T>C (NM_001456.3); c.2585T>C, p.Ile862Thr (NM_001456.4); short protein forms I862T.
Identifiers: ClinVar variation 1950092 (VCV001950092.6), dbSNP rs782396558, ClinGen allele CA10560882.
Genomic context (GRCh38, chrX:154,362,313, plus strand): 5'-AGGCCAGGGCCCTCGGCCTTCACCTTACTGGCGTCATGAGAGGGCTCCACCTTGACTCGG[A>G]TGGGGCTGGTGGGCGTGGCCTGCAGGCAGTGGGAGGAGAAGGCCTTAGAGGAGGGCAGAC-3'
Protein context (NP_001104026.1, residues 852-872): FADQATPTSP[Ile862Thr]RVKVEPSHDA

ClinVar aggregate classification (germline): Conflicting classifications of pathogenicity. Review status: criteria provided, conflicting classifications (1 of 4 stars). 2 submissions from 2 submitters: Uncertain significance (1); Benign (1). Last evaluated 2022-08-15.

Conditions:
Heterotopia, periventricular, X-linked dominant (PVNH1). Also called: PERIVENTRICULAR NODULAR HETEROTOPIA 1; PERIVENTRICULAR NODULAR HETEROTOPIA 4; HETEROTOPIA, PERIVENTRICULAR, 1; X-linked periventricular heterotopia. Identifiers: Orphanet 2149, Orphanet 82004, MedGen C1848213, MONDO:0010233, OMIM 300049.
Melnick-Needles syndrome (MNS). Also called: Melnick-Needles Syndrome (FLNA-MNS); MELNICK-NEEDLES OSTEODYSPLASTY; OSTEODYSPLASTY OF MELNICK AND NEEDLES. Identifiers: Orphanet 2484, MedGen C0025237, MONDO:0010650, OMIM 309350.
Oto-palato-digital syndrome, type II (OPD2). Also called: Otopalatodigital Syndrome Type 2 (FLNA-OPD2); FACIOPALATOOSSEOUS SYNDROME; OPD II SYNDROME; Otopalatodigital Syndrome, Type II. Identifiers: Orphanet 669, Orphanet 90652, MedGen C1844696, MONDO:0010571, OMIM 304120.
Frontometaphyseal dysplasia (FMD1). Identifiers: Orphanet 1826, MedGen C0265293, MONDO:0015942.

Allele frequency attached by ClinVar (database versions not stated): ExAC 0.00001.
gnomAD v4.1: 2 of 1,210,883 alleles (0.00017%); no homozygotes.

Submissions (2):

GeneDx
Classification: Uncertain significance. Last evaluated: 2022-08-15. Review status: criteria provided, single submitter. Criteria: GeneDx Variant Classification Process June 2021. Collection method: clinical testing. Allele origin: germline. Affected: yes.
Comment: In silico analysis supports that this missense variant has a deleterious effect on protein structure/function; Has not been previously published as pathogenic or benign to our knowledge

Labcorp Genetics (formerly Invitae), Labcorp
Classification: Benign for Oto-palato-digital syndrome, type II; Heterotopia, periventricular, X-linked dominant; Frontometaphyseal dysplasia; Melnick-Needles syndrome. Last evaluated: 2022-02-12. Review status: criteria provided, single submitter. Criteria: Invitae Variant Classification Sherloc (09022015). Collection method: clinical testing. Allele origin: germline.